The following is an entry in ClinVar:

ClinVar aggregate classification (germline): Uncertain significance. Review status: criteria provided, multiple submitters, no conflicts (2 of 4 stars). 2 submissions from 2 submitters: Uncertain significance (2). Last evaluated 2025-05-18.

Conditions:
Aortic aneurysm, familial thoracic 7 (AAT7). Also called: AORTIC DISSECTION, FAMILIAL, WITH OR WITHOUT AORTIC ANEURYSM. Identifiers: MedGen C3151077, MONDO:0013418, OMIM 613780.

Submissions (2):

Labcorp Genetics (formerly Invitae), Labcorp
Classification: Uncertain significance for Aortic aneurysm, familial thoracic 7. Last evaluated: 2025-05-18. Review status: criteria provided, single submitter. Criteria: Invitae Variant Classification Sherloc (09022015). Collection method: clinical testing. Allele origin: germline.
Comment: This sequence change replaces asparagine, which is neutral and polar, with aspartic acid, which is acidic and polar, at codon 659 of the MYLK protein (p.Asn659Asp). This variant is not present in population databases (gnomAD no frequency). This variant has not been reported in the literature in individuals affected with MYLK-related conditions. ClinVar contains an entry for this variant (Variation ID: 3764108). Invitae Evidence Modeling of protein sequence and biophysical properties (such as structural, functional, and spatial information, amino acid conservation, physicochemical variation, residue mobility, and thermodynamic stability) indicates that this missense variant is not expected to disrupt MYLK protein function with a negative predictive value of 80%. In summary, the available evidence is currently insufficient to determine the role of this variant in disease. Therefore, it has been classified as a Variant of Uncertain Significance.

GeneDx
Classification: Uncertain significance. Last evaluated: 2024-08-22. Review status: criteria provided, single submitter. Criteria: GeneDx Variant Classification Process June 2021. Collection method: clinical testing. Allele origin: germline. Affected: yes.
Comment: Not observed at significant frequency in large population cohorts (gnomAD); In silico analysis indicates that this missense variant does not alter protein structure/function; Has not been previously published as pathogenic or benign to our knowledge

NM_053025.4(MYLK):c.1975A>G (p.Asn659Asp)

Gene: MYLK (myosin light chain kinase; minus strand). Cytogenetic location: 3q21.1.
Variant type: single nucleotide variant.
Coding change: c.1975A>G on transcript NM_053025.4 (MANE Select); coding-DNA position 1975, A replaced by G.
Protein change: p.Asn659Asp; replaces asparagine 659 with aspartic acid.
Molecular consequence: missense variant.
Genome position (GRCh38, 1-based): chr3:123,708,863, T>C on the plus strand (A>G on the coding strand, the complement: MYLK is on the minus strand). VCF-style: chr3-123708863-T-C. GRCh37 (hg19) VCF-style: chr3-123427710-T-C.
Other names: c.1447A>G, p.Asn483Asp (NM_001321309.2); c.1768A>G, p.Asn590Asp (NM_053026.4, NM_053028.4); c.1975A>G, p.Asn659Asp (NM_053027.4); short protein forms N483D, N590D, N659D.
Identifiers: ClinVar variation 3764108 (VCV003764108.2).